The following is an entry in ClinVar:

NM_013280.5(FLRT1):c.915C>A (p.Asn305Lys)

Genes: MACROD1 (mono-ADP ribosylhydrolase 1; minus strand), FLRT1 (fibronectin leucine rich transmembrane protein 1; plus strand). Cytogenetic location: 11q13.1.
Variant type: single nucleotide variant.
Coding change: c.915C>A on transcript NM_013280.5 (MANE Select); coding-DNA position 915, C replaced by A.
Protein change: p.Asn305Lys; replaces asparagine 305 with lysine.
Molecular consequence: missense variant. On other transcripts: intron variant (2).
Genome position (GRCh38, 1-based): chr11:64,117,182, C>A. VCF-style: chr11-64117182-C-A. GRCh37 (hg19) VCF-style: chr11-63884654-C-A.
Other names: c.915C>A, p.Asn305Lys (NM_001384466.1); c.831C>A, p.Asn277Lys (NM_001423967.1); c.517+34057G>T (NM_001411019.1, NM_014067.4); short protein forms N305K, N277K.
Identifiers: ClinVar variation 1025266 (VCV001025266.10), dbSNP rs185115330, ClinGen allele CA6067571.
Genomic context (GRCh38, chr11:64,117,182, plus strand): 5'-CCCCTACAACACGCTGGCCAAGATGCGTGAGCTGGAGCGGCTGGACCTGTCCAACAACAA[C>A]CTGACCACGCTGCCCCGCGGCCTGTTCGACGACCTGGGGAACCTGGCCCAGCTGCTGCTC-3'
Protein context (NP_037412.2, residues 295-315): ELERLDLSNN[Asn305Lys]LTTLPRGLFD

ClinVar aggregate classification (germline): Uncertain significance. Review status: criteria provided, multiple submitters, no conflicts (2 of 4 stars). 2 submissions from 2 submitters: Uncertain significance (2). Last evaluated 2023-05-23.

Conditions:
Peripheral neuropathy. Also called: Neuropathy. Identifiers: MedGen C0031117, MONDO:0005244, HP:0009830.

Allele frequency attached by ClinVar (database versions not stated): ExAC 0.00003; TOPMed 0.00006; gnomAD 0.00008; 1000 Genomes Project 30x 0.00016; 1000 Genomes Project 0.00020.
gnomAD v4.1: 89 of 1,614,092 alleles (0.0055%); highest among the groups gnomAD compares: Non-Finnish European, 0.0075%; no homozygotes.

Submissions (2):

Ambry Genetics
Classification: Uncertain significance. Last evaluated: 2023-05-23. Review status: criteria provided, single submitter. Criteria: Ambry Variant Classification Scheme 2023. Collection method: clinical testing. Allele origin: germline.

Labcorp Genetics (formerly Invitae), Labcorp
Classification: Uncertain significance for Peripheral neuropathy. Last evaluated: 2020-11-10. Review status: criteria provided, single submitter. Criteria: Invitae Variant Classification Sherloc (09022015). Collection method: clinical testing. Allele origin: germline.
Comment: In summary, the available evidence is currently insufficient to determine the role of this variant in disease. Therefore, it has been classified as a Variant of Uncertain Significance. Algorithms developed to predict the effect of missense changes on protein structure and function are either unavailable or do not agree on the potential impact of this missense change (SIFT: "Deleterious"; PolyPhen-2: "Benign"; Align-GVGD: "Class C65"). This variant has not been reported in the literature in individuals with FLRT1-related conditions. This variant is present in population databases (rs185115330, ExAC 0.005%). This sequence change replaces asparagine with lysine at codon 305 of the FLRT1 protein (p.Asn305Lys). The asparagine residue is highly conserved and there is a moderate physicochemical difference between asparagine and lysine.